The following is an entry in ClinVar:

ClinVar aggregate classification (germline): Uncertain significance (1 of 4 stars; one submission).

Submission:

Labcorp Genetics (formerly Invitae), Labcorp
Classification: Uncertain significance. Last evaluated: 2022-08-10. Review status: criteria provided, single submitter. Criteria: Invitae Variant Classification Sherloc (09022015). Collection method: clinical testing. Allele origin: germline.
Comment: A copy number gain of the genomic region encompassing the full coding sequence of the LAMA1 gene has been identified. The boundaries of this event are unknown as they extend beyond the assayed region for this gene and therefore may encompass additional genes. As the precise location of this event is unknown, it may be in tandem or it may be located elsewhere in the genome. Isolated whole-gene copy number gains of LAMA1 have not been reported in the literature. However, larger copy number events that include this gene have been reported (PMID: 27980677). Experimental studies and prediction algorithms are not available or were not evaluated, and the functional significance of this variant is currently unknown. In summary, the available evidence is currently insufficient to determine the role of this variant in disease. Therefore, it has been classified as a Variant of Uncertain Significance.

Literature cited by the submitters: PubMed 27980677.

NC_000018.9:g.(?_6942078)_(7118955_?)dup

Gene: LAMA1 (laminin subunit alpha 1; minus strand). Cytogenetic location: 18p11.31-11.23.
Variant type: Duplication.
Identifiers: ClinVar variation 1443230 (VCV001443230.4).